The following is an entry in ClinVar:

NM_001205293.3(CACNA1E):c.2420C>T (p.Pro807Leu)

Gene: CACNA1E (calcium voltage-gated channel subunit alpha1 E; plus strand). Cytogenetic location: 1q25.3.
Variant type: single nucleotide variant.
Coding change: c.2420C>T on transcript NM_001205293.3 (MANE Select); coding-DNA position 2420, C replaced by T.
Protein change: p.Pro807Leu; replaces proline 807 with leucine.
Molecular consequence: missense variant.
Genome position (GRCh38, 1-based): chr1:181,732,506, C>T. VCF-style: chr1-181732506-C-T. GRCh37 (hg19) VCF-style: chr1-181701642-C-T.
Other names: c.2420C>T, p.Pro807Leu (NM_000721.4); c.2363C>T, p.Pro788Leu (NM_001205294.2); short protein forms P807L, P788L.
Identifiers: ClinVar variation 2161370 (VCV002161370.4), dbSNP rs986188761, ClinGen allele CA33815633.

ClinVar aggregate classification (germline): Uncertain significance (1 of 4 stars; one submission).

Allele frequency attached by ClinVar (database versions not stated): gnomAD exomes below 0.00001; TOPMed 0.00001.
gnomAD v4.1: 6 of 1,551,458 alleles (0.00039%); highest among the groups gnomAD compares: East Asian, 0.0024%; no homozygotes.

Submission:

Labcorp Genetics (formerly Invitae), Labcorp
Classification: Uncertain significance. Last evaluated: 2023-12-11. Review status: criteria provided, single submitter. Criteria: Invitae Variant Classification Sherloc (09022015). Collection method: clinical testing. Allele origin: germline.
Comment: This sequence change replaces proline, which is neutral and non-polar, with leucine, which is neutral and non-polar, at codon 807 of the CACNA1E protein (p.Pro807Leu). This variant is not present in population databases (gnomAD no frequency). This variant has not been reported in the literature in individuals affected with CACNA1E-related conditions. ClinVar contains an entry for this variant (Variation ID: 2161370). Advanced modeling of protein sequence and biophysical properties (such as structural, functional, and spatial information, amino acid conservation, physicochemical variation, residue mobility, and thermodynamic stability) performed at Invitae indicates that this missense variant is not expected to disrupt CACNA1E protein function with a negative predictive value of 95%. In summary, the available evidence is currently insufficient to determine the role of this variant in disease. Therefore, it has been classified as a Variant of Uncertain Significance.